The following is an entry in ClinVar:

ClinVar aggregate classification (germline): Uncertain significance (1 of 4 stars; one submission).

Conditions:
Cardiovascular phenotype. Identifiers: MedGen CN230736.

Submission:

Ambry Genetics
Classification: Uncertain significance for Cardiovascular phenotype. Last evaluated: 2021-08-10. Review status: criteria provided, single submitter. Criteria: Ambry Variant Classification Scheme 2023. Collection method: clinical testing. Allele origin: germline.
Comment: The p.K358R variant (also known as c.1073A>G), located in coding exon 2 of the JPH2 gene, results from an A to G substitution at nucleotide position 1073. The lysine at codon 358 is replaced by arginine, an amino acid with highly similar properties. This amino acid position is conserved. In addition, this alteration is predicted to be tolerated by in silico analysis. Since supporting evidence is limited at this time, the clinical significance of this alteration remains unclear.

NM_020433.5(JPH2):c.1073A>G (p.Lys358Arg)

Gene: JPH2 (junctophilin 2; minus strand). Cytogenetic location: 20q13.12.
Variant type: single nucleotide variant.
Coding change: c.1073A>G on transcript NM_020433.5 (MANE Select); coding-DNA position 1073, A replaced by G.
Protein change: p.Lys358Arg; replaces lysine 358 with arginine.
Molecular consequence: missense variant.
Genome position (GRCh38, 1-based): chr20:44,159,714, T>C on the plus strand (A>G on the coding strand, the complement: JPH2 is on the minus strand). VCF-style: chr20-44159714-T-C. GRCh37 (hg19) VCF-style: chr20-42788354-T-C.
Other names: short protein forms K358R.
Identifiers: ClinVar variation 1784065 (VCV001784065.2), dbSNP rs2515744204, ClinGen allele CA409093035.